The following is an entry in ClinVar:

NM_004415.4(DSP):c.6167G>T (p.Gly2056Val)

Gene: DSP (desmoplakin; plus strand). Cytogenetic location: 6p24.3.
Variant type: single nucleotide variant.
Coding change: c.6167G>T on transcript NM_004415.4 (MANE Select); coding-DNA position 6167, G replaced by T.
Protein change: p.Gly2056Val; replaces glycine 2056 with valine.
Molecular consequence: missense variant.
Genome position (GRCh38, 1-based): chr6:7,583,429, G>T. VCF-style: chr6-7583429-G-T. GRCh37 (hg19) VCF-style: chr6-7583662-G-T.
Other names: c.4370G>T, p.Gly1457Val (NM_001008844.3); c.4838G>T, p.Gly1613Val (NM_001319034.2); short protein forms G1457V, G1613V, G2056V.
Identifiers: ClinVar variation 1693189 (VCV001693189.3), dbSNP rs2113699658, ClinGen allele CA362690223.

ClinVar aggregate classification (germline): Uncertain significance. Review status: criteria provided, multiple submitters, no conflicts (2 of 4 stars). 2 submissions from 2 submitters: Uncertain significance (2). Last evaluated 2022-06-01.

Conditions:
Arrhythmogenic right ventricular cardiomyopathy (ARVD). Also called: Arrhythmogenic Right Ventricular Cardiomyopathy (ARVC); Arrhythmogenic cardiomyopathy; Arrhythmogenic right ventricular dysplasia; Cardiomyopathy, ARVC. Identifiers: Orphanet 247, MedGen C0349788, MeSH D019571, MONDO:0016587. Disease mechanism: loss of function. Inheritance: Various modes of inheritance.
Arrhythmogenic right ventricular dysplasia 8 (ARVD8). Also called: Arrhythmogenic Right Ventricular Dysplasia/Cardiomyopathy 8; ARRHYTHMOGENIC RIGHT VENTRICULAR DYSPLASIA, FAMILIAL, 8; ARRHYTHMOGENIC RIGHT VENTRICULAR CARDIOMYOPATHY 8. Identifiers: MedGen C1843896, MONDO:0011831, OMIM 607450.
Lethal acantholytic epidermolysis bullosa (EBLA). Identifiers: Orphanet 158687, MedGen C1864826, MONDO:0012323, OMIM 609638.
Arrhythmogenic cardiomyopathy with wooly hair and keratoderma. Also called: Carvajal syndrome; Dilated cardiomyopathy with woolly hair and keratoderma; Arrhythmogenic cardiomyopathy with woolly hair and keratoderma; PALMOPLANTAR KERATODERMA WITH LEFT VENTRICULAR CARDIOMYOPATHY AND WOOLLY HAIR. Identifiers: Orphanet 65282, MedGen C1854063, MONDO:0011581, OMIM 605676.
Cardiomyopathy, dilated, with wooly hair, keratoderma, and tooth agenesis. Also called: Cardiomyopathy, dilated, with woolly hair, keratoderma, and tooth agenesis; Erythrokeratodermia-cardiomyopathy syndrome. Identifiers: Orphanet 476096, Orphanet 65282, MedGen C4014393, MONDO:0014355, OMIM 615821.
Keratosis palmoplantaris striata 2. Also called: KERATODERMA, PALMOPLANTAR, STRIATE FORM II; STRIATE PALMOPLANTAR KERATODERMA II; Keratosis palmoplantaris striata II. Identifiers: MedGen C1852127, MONDO:0013034, OMIM 612908.

Submissions (2):

Molecular Genetics Laboratory - Cardiogenetics, CHU de Nantes
Classification: Uncertain significance for Arrhythmogenic right ventricular cardiomyopathy. Last evaluated: 2022-06-01. Review status: criteria provided, single submitter. Criteria: ACMG Guidelines, 2015. Collection method: curation. Allele origin: germline. Affected: yes.

Juno Genomics, Hangzhou Juno Genomics, Inc
Classification: Uncertain significance for Arrhythmogenic right ventricular dysplasia 8; Arrhythmogenic cardiomyopathy with wooly hair and keratoderma; Cardiomyopathy, dilated, with wooly hair, keratoderma, and tooth agenesis; Lethal acantholytic epidermolysis bullosa; Keratosis palmoplantaris striata 2. Review status: criteria provided, single submitter. Criteria: ACMG Guidelines, 2015. Collection method: clinical testing. Allele origin: germline.
Comment: Absent from controls (or at extremely low frequency if recessive) in Genome Aggregation Database.;Multiple lines of computational evidence support a deleterious effect on the gene or gene product.